The following is an entry in ClinVar:

NM_014009.4(FOXP3):c.711_712del (p.Glu237fs)

Gene: FOXP3 (forkhead box P3; minus strand). Cytogenetic location: Xp11.23.
Variant type: Microsatellite.
Coding change: c.711_712del on transcript NM_014009.4 (MANE Select); coding-DNA positions 711 to 712, 2 bases deleted (GA; older notation c.711_712delGA).
Protein change: p.Glu237fs; shifts the reading frame from glutamic acid 237.
Molecular consequence: frameshift variant.
Genome position (GRCh38, 1-based): chrX:49,255,738-49,255,739, TC deleted on the plus strand (GA on the coding strand, the reverse complement: FOXP3 is on the minus strand); deleting any 2 consecutive bases within chrX:49,255,738-49,255,746 gives the same sequence; the c. name uses the placement nearest the transcript's 3' end. VCF-style (leftmost placement, unchanged base first): chrX-49255737-ATC-A. GRCh37 (hg19) VCF-style: chrX-49112198-ATC-A.
Other names: c.606_607del, p.Glu202fs (NM_001114377.2); short protein forms E202fs, E237fs.
Identifiers: ClinVar variation 4732563 (VCV004732563.1).

ClinVar aggregate classification (germline): Pathogenic (1 of 4 stars; one submission).

Conditions:
Insulin-dependent diabetes mellitus secretory diarrhea syndrome (IPEX). Also called: IMMUNODEFICIENCY, POLYENDOCRINOPATHY, AND ENTEROPATHY, X-LINKED; Immune dysregulation-polyendocrinopathy-enteropathy-X-linked syndrome; X-Linked Autoimmunity-Allergic Dysregulation Syndrome; DIABETES MELLITUS, CONGENITAL INSULIN-DEPENDENT, WITH FATAL SECRETORY DIARRHEA; DIARRHEA, POLYENDOCRINOPATHY, FATAL INFECTION SYNDROME, X-LINKED; ENTEROPATHY, AUTOIMMUNE, WITH HEMOLYTIC ANEMIA AND POLYENDOCRINOPATHY. Identifiers: Orphanet 37042, MedGen C0342288, MONDO:0010580, OMIM 304790. Disease mechanism: loss of function.

Submission:

Labcorp Genetics (formerly Invitae), Labcorp
Classification: Pathogenic for Insulin-dependent diabetes mellitus secretory diarrhea syndrome. Last evaluated: 2025-12-24. Review status: criteria provided, single submitter. Criteria: Invitae Variant Classification Sherloc (09022015). Collection method: clinical testing. Allele origin: germline.
Comment: This sequence change creates a premature translational stop signal (p.Glu237Aspfs*66) in the FOXP3 gene. It is expected to result in an absent or disrupted protein product. Loss-of-function variants in FOXP3 are known to be pathogenic (PMID: 11137992, 11137993). This variant is not present in population databases (gnomAD no frequency). This variant has not been reported in the literature in individuals affected with FOXP3-related conditions. For these reasons, this variant has been classified as Pathogenic.

Literature cited by the submitters: PubMed 11137992; PubMed 11137993.